The following is an entry in ClinVar:

ClinVar aggregate classification (germline): Uncertain significance (1 of 4 stars; one submission).

Conditions:
Intellectual developmental disorder with cardiac defects and dysmorphic facies (IDDCDF). Identifiers: Orphanet 562569, MedGen C5193024, MONDO:0032672, OMIM 618316.

Submission:

Juno Genomics, Hangzhou Juno Genomics, Inc
Classification: Uncertain significance for Intellectual developmental disorder with cardiac defects and dysmorphic facies. Review status: criteria provided, single submitter. Criteria: ACMG Guidelines, 2015. Collection method: clinical testing. Allele origin: germline.
Comment: Absent from controls (or at extremely low frequency if recessive) in Genome Aggregation Database.;Multiple lines of computational evidence support a deleterious effect on the gene or gene product.

NM_014738.6(TMEM94):c.2268C>T (p.Cys756=)

Gene: TMEM94 (transmembrane protein 94; plus strand). Cytogenetic location: 17q25.1.
Variant type: single nucleotide variant.
Coding change: c.2268C>T on transcript NM_014738.6 (MANE Select); coding-DNA position 2268, C replaced by T.
Protein change: p.Cys756=; no amino-acid change (cysteine 756 retained).
Molecular consequence: synonymous variant.
Genome position (GRCh38, 1-based): chr17:75,493,777, C>T. VCF-style: chr17-75493777-C-T. GRCh37 (hg19) VCF-style: chr17-73489858-C-T.
Other names: c.2298C>T, p.Cys766= (NM_001321148.2, NM_001351203.2, NM_001438844.1); c.2280C>T, p.Cys760= (NM_001321149.2, NM_001438845.1); c.2220C>T, p.Cys740= (NM_001351202.2); c.2268C>T, p.Cys756= (NM_001438841.1, NM_001438847.1); c.2310C>T, p.Cys770= (NM_001438842.1, NM_001438843.1); c.2250C>T, p.Cys750= (NM_001438846.1); c.2262C>T, p.Cys754= (NM_001438848.1).
Identifiers: ClinVar variation 5018709 (VCV005018709.2).